The following is an entry in ClinVar:

ClinVar aggregate classification (germline): Uncertain significance. Review status: criteria provided, multiple submitters, no conflicts (2 of 4 stars). 2 submissions from 2 submitters: Uncertain significance (2). Last evaluated 2025-08-26.

Conditions:
Developmental delay, impaired speech, and behavioral abnormalities. Identifiers: MedGen C5561957, MONDO:0859178, OMIM 619475.
Inborn genetic diseases. Identifiers: MedGen C0950123, MeSH D030342.

gnomAD v4.1: 21 of 1,614,074 alleles (0.0013%); highest among the groups gnomAD compares: South Asian, 0.011%; no homozygotes.

Submissions (2):

Ambry Genetics
Classification: Uncertain significance for Inborn genetic diseases. Last evaluated: 2025-08-26. Review status: criteria provided, single submitter. Criteria: Ambry Variant Classification Scheme 2023. Collection method: clinical testing. Allele origin: germline.

Pittsburgh Clinical Genomics Laboratory, University of Pittsburgh Medical Center
Classification: Uncertain significance for Developmental delay, impaired speech, and behavioral abnormalities. Last evaluated: 2022-09-27. Review status: criteria provided, single submitter. Criteria: ACMG Guidelines, 2015. Collection method: clinical testing. Allele origin: germline. Inheritance: Autosomal dominant inheritance. Affected: yes.
Comment: This sequence variant is a single nucleotide substitution (G>A) at coding position 3712 of the SPTBN1 gene that results in an aspartic acid to asparagine amino acid change at residue 1238 of the SPTBN1 protein. This variant has not been previously reported in the literature in individuals with SPTBN1-related disease or in databases of clinically relevant variants, to our knowledge. This variant is present in the gnomAD control population database (2 of 251366 alleles or 0.0008%). Multiple bioinformatic tools predict that this variant would be damaging and the Asp1238 residue is highly conserved across the vertebrate species examined. Functiol studies testing the effect of this variant on protein activity have not been performed, to our knowledge. At this time, there is insufficient evidence to determine if this variant is pathogenic or benign. Therefore, we consider this to be a variant of uncertain significance. ACMG Criteria: PM2, PP3

NM_003128.3(SPTBN1):c.3712G>A (p.Asp1238Asn)

Gene: SPTBN1 (spectrin beta, non-erythrocytic 1; plus strand). Cytogenetic location: 2p16.2.
Variant type: single nucleotide variant.
Coding change: c.3712G>A on transcript NM_003128.3 (MANE Select); coding-DNA position 3712, G replaced by A.
Protein change: p.Asp1238Asn; replaces aspartic acid 1238 with asparagine.
Molecular consequence: missense variant.
Genome position (GRCh38, 1-based): chr2:54,632,713, G>A. VCF-style: chr2-54632713-G-A. GRCh37 (hg19) VCF-style: chr2-54859850-G-A.
Other names: c.3712G>A (NM_003128.2); c.3673G>A, p.Asp1225Asn (NM_178313.3); short protein forms D1225N, D1238N.
Identifiers: ClinVar variation 3376203 (VCV003376203.2).